The following is an entry in ClinVar:

ClinVar aggregate classification (germline): Likely benign (0 of 4 stars; one submission).

Conditions:
KLF11-related disorder. Also called: KLF11-related condition.

Allele frequency attached by ClinVar (database versions not stated): ExAC 0.00001; TOPMed 0.00005.
gnomAD v4.1: 8 of 1,614,008 alleles (0.0005%); highest among the groups gnomAD compares: African/African-American, 0.008%; no homozygotes.

Submission:

PreventionGenetics, part of Exact Sciences
Classification: Likely benign for KLF11-related condition. Last evaluated: 2021-08-03. Review status: no assertion criteria provided. Collection method: clinical testing. Allele origin: germline.
Comment: This variant is classified as likely benign based on ACMG/AMP sequence variant interpretation guidelines (Richards et al. 2015 PMID: 25741868, with internal and published modifications).

NM_003597.5(KLF11):c.684G>A (p.Leu228=)

Gene: KLF11 (KLF transcription factor 11; plus strand). Cytogenetic location: 2p25.1.
Variant type: single nucleotide variant.
Coding change: c.684G>A on transcript NM_003597.5 (MANE Select); coding-DNA position 684, G replaced by A.
Protein change: p.Leu228=; no amino-acid change (leucine 228 retained).
Molecular consequence: synonymous variant.
Genome position (GRCh38, 1-based): chr2:10,048,021, G>A. VCF-style: chr2-10048021-G-A. GRCh37 (hg19) VCF-style: chr2-10188148-G-A.
Other names: c.633G>A, p.Leu211= (NM_001177716.2, NM_001177718.2).
Identifiers: ClinVar variation 3061659 (VCV003061659.2), dbSNP rs757926432, ClinGen allele CA1525579.
Genomic context (GRCh38, chr2:10,048,021, plus strand): 5'-GGGACACTTTGAAACTTTGCAGGACACACACCTCACGGACAGTTTACTCAGCACTAACTT[G>A]GTGTCCTGTCAGCCCTGCTTGCACAAGTCTGGTGGCCTGCTGCTCACTGACAAAGGCCAG-3'
Protein context (NP_003588.1, residues 218-238): HLTDSLLSTN[Leu228=]VSCQPCLHKS